The following is an entry in ClinVar:

ClinVar aggregate classification (germline): Uncertain significance (1 of 4 stars; one submission).

gnomAD v4.1: 2 of 1,614,152 alleles (0.00012%); highest among the groups gnomAD compares: East Asian, 0.0022%; no homozygotes.

Submission:

Labcorp Genetics (formerly Invitae), Labcorp
Classification: Uncertain significance. Last evaluated: 2024-08-12. Review status: criteria provided, single submitter. Criteria: Invitae Variant Classification Sherloc (09022015). Collection method: clinical testing. Allele origin: germline.
Comment: This sequence change replaces glycine, which is neutral and non-polar, with alanine, which is neutral and non-polar, at codon 273 of the COL4A1 protein (p.Gly273Ala). This variant is present in population databases (no rsID available, gnomAD 0.006%). This variant has not been reported in the literature in individuals affected with COL4A1-related conditions. ClinVar contains an entry for this variant (Variation ID: 1969803). Advanced modeling of protein sequence and biophysical properties (such as structural, functional, and spatial information, amino acid conservation, physicochemical variation, residue mobility, and thermodynamic stability) performed at Invitae indicates that this missense variant is not expected to disrupt COL4A1 protein function with a negative predictive value of 95%. In summary, the available evidence is currently insufficient to determine the role of this variant in disease. Therefore, it has been classified as a Variant of Uncertain Significance.

NM_001845.6(COL4A1):c.818G>C (p.Gly273Ala)

Gene: COL4A1 (collagen type IV alpha 1 chain; minus strand). Cytogenetic location: 13q34.
Variant type: single nucleotide variant.
Coding change: c.818G>C on transcript NM_001845.6 (MANE Select); coding-DNA position 818, G replaced by C.
Protein change: p.Gly273Ala; replaces glycine 273 with alanine.
Molecular consequence: missense variant.
Genome position (GRCh38, 1-based): chr13:110,206,705, C>G on the plus strand (G>C on the coding strand, the complement: COL4A1 is on the minus strand). VCF-style: chr13-110206705-C-G. GRCh37 (hg19) VCF-style: chr13-110859052-C-G.
Other names: c.818G>C, p.Gly273Ala (NM_001303110.2); short protein forms G273A.
Identifiers: ClinVar variation 1969803 (VCV001969803.5), dbSNP rs763265579, ClinGen allele CA388724917.
Genomic context (GRCh38, chr13:110,206,705, plus strand): 5'-GGACTTTGGAAAGCACTTACTCTGGGTCCTGGTTTTCCGGGTTCACCTTTCTCTCCGACC[C>G]CTGGCATCCCCTTAAAGGAATAAAAAGACAAAGAGATTTATTCGTCTATTTAAGCAAAAT-3'
Protein context (NP_001836.3, residues 263-283): KGEPGFQGMP[Gly273Ala]VGEKGEPGKP